The following is an entry in ClinVar:

ClinVar aggregate classification (germline): Likely pathogenic (1 of 4 stars; one submission).

Conditions:
SLC10A1-related disorder. Also called: SLC10A1-related condition.

Submission:

PreventionGenetics, part of Exact Sciences
Classification: Likely pathogenic for SLC10A1-related condition. Last evaluated: 2025-11-24. Review status: criteria provided, single submitter. Criteria: ACMG Guidelines, 2015. Collection method: clinical testing. Allele origin: germline.
Comment: The SLC10A1 c.476_477dupTC variant is predicted to result in a frameshift and premature protein termination (p.Val160Serfs*2). To our knowledge, this variant has not been reported in the literature or in a large population database (gnomAD), indicating this variant is rare. Frameshift variants in SLC10A1 are expected to be pathogenic. This variant is interpreted as likely pathogenic.

NM_003049.4(SLC10A1):c.476_477dup (p.Val160fs)

Gene: SLC10A1 (solute carrier family 10 member 1; minus strand). Cytogenetic location: 14q24.1.
Variant type: Duplication.
Coding change: c.476_477dup on transcript NM_003049.4 (MANE Select); coding-DNA positions 476 to 477, 2 bases duplicated (TC; older notation c.476_477dupTC).
Protein change: p.Val160fs; shifts the reading frame from valine 160.
Molecular consequence: frameshift variant.
Genome position (GRCh38, 1-based): chr14:69,786,187-69,786,188, GA duplicated on the plus strand (TC on the coding strand, the reverse complement: SLC10A1 is on the minus strand). VCF-style (leftmost placement, unchanged base first): chr14-69786186-C-CGA. GRCh37 (hg19) VCF-style: chr14-70252903-C-CGA.
Other names: short protein forms V160fs.
Identifiers: ClinVar variation 4991877 (VCV004991877.1).
Genomic context (GRCh38, chr14:69,786,186, plus strand): 5'-GTTTGGATTTGAGGACGATCCCTATGGTGCAAGGAATGAGAACCAGGACCAGTGATATCA[C>CGA]GATGCCTTTATAGGGCACCTTGTCCTTCAGGTCCCCATCATAGATCCCCCTGGAGTAGAT-3'